The following is an entry in ClinVar:

ClinVar aggregate classification (germline): Uncertain significance (1 of 4 stars; one submission).

Conditions:
Inborn genetic diseases. Identifiers: MedGen C0950123, MeSH D030342.

Submission:

Ambry Genetics
Classification: Uncertain significance for Inborn genetic diseases. Last evaluated: 2025-11-22. Review status: criteria provided, single submitter. Criteria: Ambry Variant Classification Scheme 2023. Collection method: clinical testing. Allele origin: germline.
Comment: The p.G947R variant (also known as c.2839G>C), located in coding exon 1 of the SAMD9L gene, results from a G to C substitution at nucleotide position 2839. The glycine at codon 947 is replaced by arginine, an amino acid with dissimilar properties. This amino acid position is conserved. In addition, this alteration is predicted to be deleterious by in silico analysis. Based on the available evidence, the clinical significance of this variant remains unclear.

NM_152703.5(SAMD9L):c.2839G>C (p.Gly947Arg)

Gene: SAMD9L (sterile alpha motif domain containing 9 like; minus strand). Cytogenetic location: 7q21.2.
Variant type: single nucleotide variant.
Coding change: c.2839G>C on transcript NM_152703.5 (MANE Select); coding-DNA position 2839, G replaced by C.
Protein change: p.Gly947Arg; replaces glycine 947 with arginine.
Molecular consequence: missense variant.
Genome position (GRCh38, 1-based): chr7:93,133,133, C>G on the plus strand (G>C on the coding strand, the complement: SAMD9L is on the minus strand). VCF-style: chr7-93133133-C-G. GRCh37 (hg19) VCF-style: chr7-92762446-C-G.
Other names: c.2839G>C, p.Gly947Arg (NM_001303496.3, NM_001303497.3, NM_001303498.3 and 5 more transcripts); short protein forms G947R.
Identifiers: ClinVar variation 4630134 (VCV004630134.1).